The following is an entry in ClinVar:

NM_000925.4(PDHB):c.1035G>C (p.Gln345His)

Gene: PDHB (pyruvate dehydrogenase E1 subunit beta; minus strand). Cytogenetic location: 3p14.3.
Variant type: single nucleotide variant.
Coding change: c.1035G>C on transcript NM_000925.4 (MANE Select); coding-DNA position 1035, G replaced by C.
Protein change: p.Gln345His; replaces glutamine 345 with histidine.
Molecular consequence: missense variant. On other transcripts: non-coding transcript variant (1).
Genome position (GRCh38, 1-based): chr3:58,428,079, C>G on the plus strand (G>C on the coding strand, the complement: PDHB is on the minus strand). VCF-style: chr3-58428079-C-G. GRCh37 (hg19) VCF-style: chr3-58413806-C-G.
Other names: c.981G>C, p.Gln327His (NM_001173468.2, NM_001315536.2); c.1035G>C (NM_000925.3); short protein forms Q327H, Q345H.
Identifiers: ClinVar variation 2043790 (VCV002043790.3), dbSNP rs987571203, ClinGen allele CA75454677.

ClinVar aggregate classification (germline): Uncertain significance. Review status: criteria provided, multiple submitters, no conflicts (2 of 4 stars). 3 submissions from 3 submitters: Uncertain significance (3). Last evaluated 2025-03-20.

Conditions:
Inborn genetic diseases. Identifiers: MedGen C0950123, MeSH D030342.
Pyruvate dehydrogenase E1-beta deficiency (PDHBD). Identifiers: Orphanet 255138, Orphanet 765, MedGen C3279841, MONDO:0013580, OMIM 614111.

Allele frequency attached by ClinVar (database versions not stated): TOPMed 0.00002.
gnomAD v4.1: 3 of 1,610,122 alleles (0.00019%); highest among the groups gnomAD compares: African/African-American, 0.004%; no homozygotes.

Submissions (3):

Ambry Genetics
Classification: Uncertain significance for Inborn genetic diseases. Last evaluated: 2025-03-20. Review status: criteria provided, single submitter. Criteria: Ambry Variant Classification Scheme 2023. Collection method: clinical testing. Allele origin: germline.

GeneDx
Classification: Uncertain significance. Last evaluated: 2024-12-11. Review status: criteria provided, single submitter. Criteria: GeneDx Variant Classification Process June 2021. Collection method: clinical testing. Allele origin: germline. Affected: yes.
Comment: Not observed at significant frequency in large population cohorts (gnomAD); In silico analysis supports that this missense variant has a deleterious effect on protein structure/function; Has not been previously published as pathogenic or benign to our knowledge

Labcorp Genetics (formerly Invitae), Labcorp
Classification: Uncertain significance for Pyruvate dehydrogenase E1-beta deficiency. Last evaluated: 2022-07-13. Review status: criteria provided, single submitter. Criteria: Invitae Variant Classification Sherloc (09022015). Collection method: clinical testing. Allele origin: germline.
Comment: This sequence change replaces glutamine, which is neutral and polar, with histidine, which is basic and polar, at codon 345 of the PDHB protein (p.Gln345His). This variant is present in population databases (no rsID available, gnomAD 0.007%). This variant has not been reported in the literature in individuals affected with PDHB-related conditions. Algorithms developed to predict the effect of missense changes on protein structure and function are either unavailable or do not agree on the potential impact of this missense change (SIFT: "Deleterious"; PolyPhen-2: "Benign"; Align-GVGD: "Class C0"). In summary, the available evidence is currently insufficient to determine the role of this variant in disease. Therefore, it has been classified as a Variant of Uncertain Significance.